The following is an entry in ClinVar:

NM_022041.4(GAN):c.1012A>T (p.Lys338Ter)

Gene: GAN (gigaxonin; plus strand). Cytogenetic location: 16q23.2.
Variant type: single nucleotide variant.
Coding change: c.1012A>T on transcript NM_022041.4 (MANE Select); coding-DNA position 1012, A replaced by T.
Protein change: p.Lys338Ter; replaces lysine 338 with a stop codon.
Molecular consequence: nonsense.
Genome position (GRCh38, 1-based): chr16:81,362,537, A>T. VCF-style: chr16-81362537-A-T. GRCh37 (hg19) VCF-style: chr16-81396142-A-T.
Other names: c.373A>T, p.Lys125Ter (NM_001377486.1); short protein forms K338*, K125*.
Identifiers: ClinVar variation 637540 (VCV000637540.11), dbSNP rs1181977802, ClinGen allele CA396874866.

ClinVar aggregate classification (germline): Pathogenic. Review status: criteria provided, single submitter (1 of 4 stars). 3 submissions from 3 submitters: Pathogenic (1). 2 of the submissions do not count toward it. Last evaluated 2020-09-05.

Conditions:
Giant axonal neuropathy 1 (GAN1). Also called: GIANT AXONAL NEUROPATHY 1, AUTOSOMAL RECESSIVE; GAN-Related Neurodegeneration. Identifiers: Orphanet 643, MedGen C1850386, MONDO:0009749, OMIM 256850.

gnomAD v4.1: 1 of 1,610,046 alleles (0.000062%); highest among the groups gnomAD compares: Non-Finnish European, 0.000085%; no homozygotes.

Submissions (3):

Labcorp Genetics (formerly Invitae), Labcorp
Classification: Pathogenic for Giant axonal neuropathy 1. Last evaluated: 2020-09-05. Review status: criteria provided, single submitter. Criteria: Invitae Variant Classification Sherloc (09022015). Collection method: clinical testing. Allele origin: germline.
Comment: For these reasons, this variant has been classified as Pathogenic. Loss-of-function variants in GAN are known to be pathogenic (PMID: 12655563, 14718689, 23890932). This variant has been observed in combination with another GAN variant in an individual affected with giant axonal neuropathy (PMID: 12655563). This variant is not present in population databases (ExAC no frequency). This sequence change creates a premature translational stop signal (p.Lys338*) in the GAN gene. It is expected to result in an absent or disrupted protein product.

Inherited Neuropathy Consortium Ii, University Of Miami
Classification: Uncertain significance for Giant axonal neuropathy 1. Last evaluated: 2017-05-08. Review status: no assertion criteria provided. Collection method: literature only. Allele origin: germline. Affected: yes. Not counted in ClinVar's aggregate classification.

Inherited Neuropathy Consortium
Classification: Uncertain significance for Giant axonal neuropathy. Review status: no assertion criteria provided. Collection method: literature only. Allele origin: germline. Affected: yes. Not counted in ClinVar's aggregate classification.

Literature cited by the submitters: PubMed 12655563 (cited by 3 submitters); PubMed 14718689 (cited by Labcorp Genetics (formerly Invitae), Labcorp); PubMed 23890932 (cited by Labcorp Genetics (formerly Invitae), Labcorp).